The following is an entry in ClinVar:

NM_024312.5(GNPTAB):c.1154C>A (p.Ser385Ter)

Gene: GNPTAB (N-acetylglucosamine-1-phosphate transferase subunits alpha and beta; minus strand). Cytogenetic location: 12q23.2.
Variant type: single nucleotide variant.
Coding change: c.1154C>A on transcript NM_024312.5 (MANE Select); coding-DNA position 1154, C replaced by A.
Protein change: p.Ser385Ter; replaces serine 385 with a stop codon.
Molecular consequence: nonsense.
Genome position (GRCh38, 1-based): chr12:101,770,151, G>T on the plus strand (C>A on the coding strand, the complement: GNPTAB is on the minus strand). VCF-style: chr12-101770151-G-T. GRCh37 (hg19) VCF-style: chr12-102163929-G-T.
Other names: short protein forms S385*.
Identifiers: ClinVar variation 1726519 (VCV001726519.3), dbSNP rs2547961071, ClinGen allele CA386302781.
Genomic context (GRCh38, chr12:101,770,151, plus strand): 5'-AGGTAAATAAACTTCTGGGACAGCCCTTCGATGCGATGAATGTGACTTTCAATAGCAGGT[G>T]AACTAAAGGTAGGCAAGTGGCTCAAATTTCGAAAAACATCCTTTTAACAACAACAAACAA-3'

ClinVar aggregate classification (germline): Likely pathogenic (1 of 4 stars; one submission).

Conditions:
GNPTAB-mucolipidosis. Also called: UDP-N-acetylglucosamine-1-phosphotransferase subunit alpha/beta deficiency. Identifiers: MedGen CN322573, MONDO:0100122.

Submission:

Myriad Genetics, Inc.
Classification: Likely pathogenic for GNPTAB-mucolipidosis. Last evaluated: 2021-12-17. Review status: criteria provided, single submitter. Criteria: Myriad Autosomal Dominant, Autosomal Recessive and X-Linked Classification Criteria (2023). Collection method: clinical testing. Allele origin: unknown.
Comment: NM_024312.4(GNPTAB):c.1154C>A(S385*) is expected to be pathogenic in the context of GNPTAB-related disorders. This variant is predicted to lead to an abnormal or absent protein product due to the creation of a premature termination codon in GNPTAB, a gene where loss-of-function variants are known to be pathogenic. Please note: this variant was assessed in the context of healthy population screening.